The following is an entry in ClinVar:

ClinVar aggregate classification (germline): Benign (0 of 4 stars; one submission).

Conditions:
MUC16-related disorder. Also called: MUC16-related condition.

Allele frequency attached by ClinVar (database versions not stated): ESP Exome Variant Server 0.01037; 1000 Genomes Project 30x 0.01062; 1000 Genomes Project 0.01078.

Submission:

PreventionGenetics, part of Exact Sciences
Classification: Benign for MUC16-related condition. Last evaluated: 2019-10-28. Review status: no assertion criteria provided. Collection method: clinical testing. Allele origin: germline.
Comment: This variant is classified as benign based on ACMG/AMP sequence variant interpretation guidelines (Richards et al. 2015 PMID: 25741868, with internal and published modifications).

NM_001401501.2(MUC16):c.35760C>A (p.Thr11920=)

Gene: MUC16 (mucin 16, cell surface associated; minus strand). Cytogenetic location: 19p13.2.
Variant type: single nucleotide variant.
Coding change: c.35760C>A on transcript NM_001401501.2 (MANE Select); coding-DNA position 35760, C replaced by A.
Protein change: p.Thr11920=; no amino-acid change (threonine 11920 retained).
Molecular consequence: synonymous variant.
Genome position (GRCh38, 1-based): chr19:8,935,315, G>T on the plus strand (C>A on the coding strand, the complement: MUC16 is on the minus strand). VCF-style: chr19-8935315-G-T. GRCh37 (hg19) VCF-style: chr19-9045991-G-T.
Other names: c.36186C>A, p.Thr12062= (NM_001414686.1); c.35640C>A, p.Thr11880= (NM_001414687.1, NM_024690.2).
Identifiers: ClinVar variation 3044945 (VCV003044945.2), dbSNP rs61746383, ClinGen allele CA9165994.
Genomic context (GRCh38, chr19:8,935,315, plus strand): 5'-AGAGACAGCAGGGGAAACAGTCAGAGTTAGAGTACTCGTGCTGGTCTCTGCTGAAGAGCT[G>T]GTGGCCAGTAAGCCTGTAGTCTCTAGTAAACCAAGGGAAAGAGTTGAAGTTGGAATCATT-3'
Protein context (NP_001388430.1, residues 11910-11930): GLLETTGLLA[Thr11920=]SSSAETSTST